The following is an entry in ClinVar:

NM_017635.5(KMT5B):c.2434C>T (p.Arg812Ter)

Gene: KMT5B (lysine methyltransferase 5B; minus strand). Cytogenetic location: 11q13.2.
Variant type: single nucleotide variant.
Coding change: c.2434C>T on transcript NM_017635.5 (MANE Select); coding-DNA position 2434, C replaced by T.
Protein change: p.Arg812Ter; replaces arginine 812 with a stop codon.
Molecular consequence: nonsense.
Genome position (GRCh38, 1-based): chr11:68,157,912, G>A on the plus strand (C>T on the coding strand, the complement: KMT5B is on the minus strand). VCF-style: chr11-68157912-G-A. GRCh37 (hg19) VCF-style: chr11-67925379-G-A.
Other names: c.1918C>T, p.Arg640Ter (NM_001300907.1, NM_001369428.1, NM_001369429.1 and 4 more transcripts); c.1714C>T, p.Arg572Ter (NM_001300908.2); c.2434C>T, p.Arg812Ter (NM_001369426.1); short protein forms R812*, R572*, R640*.
Identifiers: ClinVar variation 620575 (VCV000620575.2), dbSNP rs1565212298, ClinGen allele CA381587181.
Genomic context (GRCh38, chr11:68,157,912, plus strand): 5'-AAGAGGAGGAATCATCTGTACTTTCTTCCTCATACTGACTATAGTCATCCACCTCCATTC[G>A]AGACTCCAAGAGAGAAAGAGGATCACTGCAGCACACCCCATTTTCATGAAGCCCCTCTGT-3'

ClinVar aggregate classification (germline): Likely pathogenic. Review status: criteria provided, multiple submitters, no conflicts (2 of 4 stars). 2 submissions from 2 submitters: Likely pathogenic (2). Last evaluated 2024-02-22.

Conditions:
Inborn genetic diseases. Identifiers: MedGen C0950123, MeSH D030342.

gnomAD v4.1: 1 of 1,613,912 alleles (0.000062%); no homozygotes.

Submissions (2):

Ambry Genetics
Classification: Likely pathogenic for Inborn genetic diseases. Last evaluated: 2024-02-22. Review status: criteria provided, single submitter. Criteria: Ambry Variant Classification Scheme 2023. Collection method: clinical testing. Allele origin: germline.
Comment: The c.2434C>T (p.R812*) alteration, located in exon 11 (coding exon 10) of the KMT5B gene, consists of a C to T substitution at nucleotide position 2434. This changes the amino acid from a arginine (R) to a stop codon at amino acid position 812. This alteration occurs at the 3' terminus of the KMT5B gene, is not expected to trigger nonsense-mediated mRNA decay, and only impacts the last 8.4% of the protein. However, premature stop codons are typically deleterious in nature, the impacted region is critical for protein function, and a significant portion of the protein is affected (Ambry internal data). This variant was not reported in population-based cohorts in the Genome Aggregation Database (gnomAD). This variant has been determined to be the result of a de novo mutation in one individual with seizures, autism, intellectual disability, and macrocephaly (External communication). Based on the available evidence, this alteration is classified as likely pathogenic.

GeneDx
Classification: Likely pathogenic. Last evaluated: 2019-02-04. Review status: criteria provided, single submitter. Criteria: GeneDx Variant Classification (06012015). Collection method: clinical testing. Allele origin: germline. Affected: yes.
Comment: A variant that is likely pathogenic has been identified in the KMT5B gene. The R812X variant has not been published as a pathogenic variant, nor has it been reported as a benign variant to our knowledge. The R812X variant is not observed in large population cohorts (Lek et al., 2016). The R812X nonsense variant is predicted to cause loss of normal protein function through protein truncation, as the last 74 amino acids are lost. Therefore, this variant is likely pathogenic; however, the possibility that it is benign cannot be excluded.